The following is an entry in ClinVar:

NM_001032283.3(TMPO):c.565+1111C>G

Gene: TMPO (thymopoietin; plus strand). Cytogenetic location: 12q23.1.
Variant type: single nucleotide variant.
Coding change: c.565+1111C>G on transcript NM_001032283.3 (MANE Select); 1111 bases into the intron after coding-DNA position 565, C replaced by G.
Molecular consequence: intron variant. On other transcripts: missense variant (1).
Genome position (GRCh38, 1-based): chr12:98,532,949, C>G. VCF-style: chr12-98532949-C-G. GRCh37 (hg19) VCF-style: chr12-98926727-C-G.
Other names: c.692C>G, p.Pro231Arg (NM_003276.2); c.565+1111C>G (NM_001307975.2, NM_001032284.3); short protein forms P231R.
Identifiers: ClinVar variation 5030966 (VCV005030966.1).

ClinVar aggregate classification (germline): Uncertain significance (1 of 4 stars; one submission).

gnomAD v4.1: 1 of 1,614,144 alleles (0.000062%); highest among the groups gnomAD compares: Non-Finnish European, 0.000085%; no homozygotes.

Submission:

Ambry Genetics
Classification: Uncertain significance. Last evaluated: 2026-08-24. Review status: criteria provided, single submitter. Criteria: Ambry Variant Classification Scheme 2023. Collection method: clinical testing. Allele origin: germline.
Comment: The p.P231R variant (also known as c.692C>G), located in coding exon 4 of the TMPO gene, results from a C to G substitution at nucleotide position 692. The proline at codon 231 is replaced by arginine, an amino acid with dissimilar properties. This amino acid position is conserved. In addition, this alteration is predicted to be tolerated by in silico analysis. Based on the available evidence, the clinical significance of this variant remains unclear.